The following is an entry in ClinVar:

NM_000170.3(GLDC):c.1791G>A (p.Glu597=)

Gene: GLDC (glycine decarboxylase; minus strand). Cytogenetic location: 9p24.1.
Variant type: single nucleotide variant.
Coding change: c.1791G>A on transcript NM_000170.3 (MANE Select); coding-DNA position 1791, G replaced by A.
Protein change: p.Glu597=; no amino-acid change (glutamic acid 597 retained).
Molecular consequence: synonymous variant.
Genome position (GRCh38, 1-based): chr9:6,587,200, C>T on the plus strand (G>A on the coding strand, the complement: GLDC is on the minus strand). VCF-style: chr9-6587200-C-T. GRCh37 (hg19) VCF-style: chr9-6587200-C-T.
Identifiers: ClinVar variation 4874429 (VCV004874429.2).

ClinVar aggregate classification (germline): Likely benign (1 of 4 stars; one submission).

Submission:

CeGaT Center for Human Genetics Tuebingen
Classification: Likely benign. Last evaluated: 2026-04-01. Review status: criteria provided, single submitter. Criteria: CeGaT Center For Human Genetics Tuebingen Variant Classification Criteria Version 2. Collection method: clinical testing. Allele origin: germline. Affected: yes. Observed: 1 variant allele.
Comment: GLDC: PM2:Supporting, BP4, BP7